The following is an entry in ClinVar:

NM_004614.5(TK2):c.473A>G (p.Tyr158Cys)

Gene: TK2 (thymidine kinase 2; minus strand). Cytogenetic location: 16q21.
Variant type: single nucleotide variant.
Coding change: c.473A>G on transcript NM_004614.5 (MANE Select); coding-DNA position 473, A replaced by G.
Protein change: p.Tyr158Cys; replaces tyrosine 158 with cysteine.
Molecular consequence: missense variant. On other transcripts: non-coding transcript variant (1), intron variant (1).
Genome position (GRCh38, 1-based): chr16:66,517,854, T>C on the plus strand (A>G on the coding strand, the complement: TK2 is on the minus strand). VCF-style: chr16-66517854-T-C. GRCh37 (hg19) VCF-style: chr16-66551757-T-C.
Other names: c.380A>G, p.Tyr127Cys (NM_001172643.1); c.398A>G, p.Tyr133Cys (NM_001172644.2); c.419A>G, p.Tyr140Cys (NM_001172645.2); c.326A>G, p.Tyr109Cys (NM_001271934.2); c.182A>G, p.Tyr61Cys (NM_001272050.2); c.357-4043A>G (NM_001271935.1); short protein forms Y109C, Y127C, Y61C, Y133C, Y140C, Y158C.
Identifiers: ClinVar variation 1470389 (VCV001470389.8), dbSNP rs553354595, ClinGen allele CA8093659.

ClinVar aggregate classification (germline): Conflicting classifications of pathogenicity. Review status: criteria provided, conflicting classifications (1 of 4 stars). 2 submissions from 2 submitters: Pathogenic (1); Uncertain significance (1). Last evaluated 2026-01-14.

Conditions:
Mitochondrial DNA depletion syndrome, myopathic form (MTDPS2). Also called: MITOCHONDRIAL DNA DEPLETION MYOPATHY, TK2-RELATED; TK2-Related Mitochondrial DNA Maintenance Defect, Myopathic Form; MITOCHONDRIAL DNA DEPLETION SYNDROME 2 (MYOPATHIC TYPE). Identifiers: Orphanet 254875, MedGen C3149750, MONDO:0012301, OMIM 609560.

Allele frequency attached by ClinVar (database versions not stated): gnomAD 0.00001; gnomAD exomes 0.00001; ExAC 0.00002; TOPMed 0.00002; 1000 Genomes Project 30x 0.00016; 1000 Genomes Project 0.00020.

Submissions (2):

Labcorp Genetics (formerly Invitae), Labcorp
Classification: Pathogenic. Last evaluated: 2026-01-14. Review status: criteria provided, single submitter. Criteria: Invitae Variant Classification Sherloc (09022015). Collection method: clinical testing. Allele origin: germline.
Comment: This sequence change replaces tyrosine, which is neutral and polar, with cysteine, which is neutral and slightly polar, at codon 158 of the TK2 protein (p.Tyr158Cys). This variant is present in population databases (rs553354595, gnomAD 0.008%). This missense change has been observed in individual(s) with clinical features of mitochondrial DNA depletion syndrome (internal data). In at least one individual the data is consistent with being in trans (on the opposite chromosome) from a pathogenic variant. ClinVar contains an entry for this variant (Variation ID: 1470389). Invitae Evidence Modeling of protein sequence and biophysical properties (such as structural, functional, and spatial information, amino acid conservation, physicochemical variation, residue mobility, and thermodynamic stability) indicates that this missense variant is expected to disrupt TK2 protein function with a positive predictive value of 95%. For these reasons, this variant has been classified as Pathogenic.

Neuberg Centre For Genomic Medicine, NCGM
Classification: Uncertain significance for Mitochondrial DNA depletion syndrome, myopathic form. Review status: criteria provided, single submitter. Criteria: ACMG Guidelines, 2015. Collection method: clinical testing. Allele origin: germline. Inheritance: Autosomal recessive inheritance. Affected: yes.
Comment: The missense variant c.473A>G p.Tyr158Cys in the TK2 gene has not been reported previously as a pathogenic variant nor as a benign variant, to our knowledge. This variant is reported with the allele frequency 0.002% in the gnomAD and novel in not in any individuals 1000 genome database. This variant has been reported to the ClinVar database as Uncertain Significance. However, no details are available for independent assessment. The amino acid Tyrosine at position 158 is changed to a Cysteine changing protein sequence and it might alter its composition and physico- chemical properties. The variant is predicted as damaging by SIFT. The amino acid change p.Tyr158Cys in TK2 is predicted as conserved by GERP++ and PhyloP across 100 vertebrates. For these reasons, this variant has been classified as Uncertain Significance.